The following is an entry in ClinVar:

NM_000095.3(COMP):c.566A>G (p.His189Arg)

Gene: COMP (cartilage oligomeric matrix protein; minus strand). Cytogenetic location: 19p13.11.
Variant type: single nucleotide variant.
Coding change: c.566A>G on transcript NM_000095.3 (MANE Select); coding-DNA position 566, A replaced by G.
Protein change: p.His189Arg; replaces histidine 189 with arginine.
Molecular consequence: missense variant.
Genome position (GRCh38, 1-based): chr19:18,788,876, T>C on the plus strand (A>G on the coding strand, the complement: COMP is on the minus strand). VCF-style: chr19-18788876-T-C. GRCh37 (hg19) VCF-style: chr19-18899685-T-C.
Other names: short protein forms H189R.
Identifiers: ClinVar variation 328621 (VCV000328621.7), dbSNP rs199792797, ClinGen allele CA9316688.

ClinVar aggregate classification (germline): Uncertain significance. Review status: criteria provided, multiple submitters, no conflicts (2 of 4 stars). 3 submissions from 2 submitters: Uncertain significance (3). Last evaluated 2024-11-14.

Conditions:
Multiple epiphyseal dysplasia type 1. Also called: COMP-Related Multiple Epiphyseal Dysplasia. Identifiers: Orphanet 93308, MedGen C1838280, MONDO:0007561, OMIM 132400.
Pseudoachondroplastic spondyloepiphyseal dysplasia syndrome (PSACH). Also called: COMP-Related Pseudoachondroplasia; PSEUDOACHONDROPLASTIC DYSPLASIA; Pseudoachondroplasia. Identifiers: Orphanet 750, MedGen C0410538, MONDO:0008322, OMIM 177170.

Allele frequency attached by ClinVar (database versions not stated): ExAC 0.00002; TOPMed 0.00002; gnomAD 0.00003; gnomAD exomes 0.00004.
gnomAD v4.1: 54 of 1,613,862 alleles (0.0033%); highest among the groups gnomAD compares: Non-Finnish European, 0.0024%; no homozygotes.

Submissions (3):

Labcorp Genetics (formerly Invitae), Labcorp
Classification: Uncertain significance. Last evaluated: 2024-11-14. Review status: criteria provided, single submitter. Criteria: Invitae Variant Classification Sherloc (09022015). Collection method: clinical testing. Allele origin: germline.
Comment: This sequence change replaces histidine, which is basic and polar, with arginine, which is basic and polar, at codon 189 of the COMP protein (p.His189Arg). This variant is present in population databases (rs199792797, gnomAD 0.07%). This variant has not been reported in the literature in individuals affected with COMP-related conditions. ClinVar contains an entry for this variant (Variation ID: 328621). Invitae Evidence Modeling of protein sequence and biophysical properties (such as structural, functional, and spatial information, amino acid conservation, physicochemical variation, residue mobility, and thermodynamic stability) indicates that this missense variant is not expected to disrupt COMP protein function with a negative predictive value of 80%. In summary, the available evidence is currently insufficient to determine the role of this variant in disease. Therefore, it has been classified as a Variant of Uncertain Significance.

Illumina Laboratory Services, Illumina
Classification: Uncertain significance for Multiple epiphyseal dysplasia type 1. Last evaluated: 2018-01-13. Review status: criteria provided, single submitter. Criteria: ICSL Variant Classification Criteria 13 December 2019. Collection method: clinical testing. Allele origin: germline.

Illumina Laboratory Services, Illumina
Classification: Uncertain significance for Pseudoachondroplastic spondyloepiphyseal dysplasia syndrome. Last evaluated: 2018-01-13. Review status: criteria provided, single submitter. Criteria: ICSL Variant Classification Criteria 13 December 2019. Collection method: clinical testing. Allele origin: germline.